The following is an entry in ClinVar:

NM_001374259.2(IL12RB2):c.845T>C (p.Leu282Pro)

Gene: IL12RB2 (interleukin 12 receptor subunit beta 2; plus strand). Cytogenetic location: 1p31.3.
Variant type: single nucleotide variant.
Coding change: c.845T>C on transcript NM_001374259.2 (MANE Select); coding-DNA position 845, T replaced by C.
Protein change: p.Leu282Pro; replaces leucine 282 with proline.
Molecular consequence: missense variant. On other transcripts: non-coding transcript variant (2).
Genome position (GRCh38, 1-based): chr1:67,330,697, T>C. VCF-style: chr1-67330697-T-C. GRCh37 (hg19) VCF-style: chr1-67796380-T-C.
Other names: c.845T>C, p.Leu282Pro (NM_001258214.1, NM_001258215.1, NM_001258216.1 and 2 more transcripts); short protein forms L282P.
Identifiers: ClinVar variation 2871178 (VCV002871178.3), dbSNP rs2525961128, ClinGen allele CA340734249.

ClinVar aggregate classification (germline): Uncertain significance (1 of 4 stars; one submission).

Submission:

Labcorp Genetics (formerly Invitae), Labcorp
Classification: Uncertain significance. Last evaluated: 2023-08-30. Review status: criteria provided, single submitter. Criteria: Invitae Variant Classification Sherloc (09022015). Collection method: clinical testing. Allele origin: germline.
Comment: This sequence change replaces leucine, which is neutral and non-polar, with proline, which is neutral and non-polar, at codon 282 of the IL12RB2 protein (p.Leu282Pro). In summary, the available evidence is currently insufficient to determine the role of this variant in disease. Therefore, it has been classified as a Variant of Uncertain Significance. An algorithm developed to predict the effect of missense changes on protein structure and function (PolyPhen-2) suggests that this variant is likely to be disruptive. This variant has not been reported in the literature in individuals affected with IL12RB2-related conditions. This variant is not present in population databases (gnomAD no frequency).